The following is an entry in ClinVar:

NM_001105206.3(LAMA4):c.452G>A (p.Gly151Glu)

Gene: LAMA4 (laminin subunit alpha 4; minus strand). Cytogenetic location: 6q21.
Variant type: single nucleotide variant.
Coding change: c.452G>A on transcript NM_001105206.3 (MANE Select); coding-DNA position 452, G replaced by A.
Protein change: p.Gly151Glu; replaces glycine 151 with glutamic acid.
Molecular consequence: missense variant.
Genome position (GRCh38, 1-based): chr6:112,201,659, C>T on the plus strand (G>A on the coding strand, the complement: LAMA4 is on the minus strand). VCF-style: chr6-112201659-C-T. GRCh37 (hg19) VCF-style: chr6-112522860-C-T.
Other names: c.452G>A, p.Gly151Glu (NM_001105207.3, NM_002290.5); short protein forms G151E.
Identifiers: ClinVar variation 1303969 (VCV001303969.2), dbSNP rs1338209774, ClinGen allele CA365379790.

ClinVar aggregate classification (germline): Uncertain significance (1 of 4 stars; one submission).

Allele frequency attached by ClinVar (database versions not stated): gnomAD 0.00001; TOPMed 0.00001.

Submission:

GeneDx
Classification: Uncertain significance. Last evaluated: 2019-10-21. Review status: criteria provided, single submitter. Criteria: GeneDx Variant Classification Process June 2021. Collection method: clinical testing. Allele origin: germline. Affected: yes.
Comment: Has not been previously published as pathogenic or benign to our knowledge; Not observed in large population cohorts (Lek et al., 2016); In silico analysis, which includes protein predictors and evolutionary conservation, supports a deleterious effect